The following is an entry in ClinVar:

NM_014444.5(TUBGCP4):c.86A>G (p.Gln29Arg)

Gene: TUBGCP4 (tubulin gamma complex component 4; plus strand). Cytogenetic location: 15q15.3.
Variant type: single nucleotide variant.
Coding change: c.86A>G on transcript NM_014444.5 (MANE Select); coding-DNA position 86, A replaced by G.
Protein change: p.Gln29Arg; replaces glutamine 29 with arginine.
Molecular consequence: missense variant.
Genome position (GRCh38, 1-based): chr15:43,376,105, A>G. VCF-style: chr15-43376105-A-G. GRCh37 (hg19) VCF-style: chr15-43668303-A-G.
Other names: c.86A>G (NM_014444.2); c.86A>G, p.Gln29Arg (NM_001286414.3); short protein forms Q29R.
Identifiers: ClinVar variation 2080863 (VCV002080863.2), dbSNP rs753375716, ClinGen allele CA7523654.

ClinVar aggregate classification (germline): Uncertain significance. Review status: criteria provided, multiple submitters, no conflicts (2 of 4 stars). 2 submissions from 2 submitters: Uncertain significance (2). Last evaluated 2025-07-16.

Conditions:
Inborn genetic diseases. Identifiers: MedGen C0950123, MeSH D030342.

Allele frequency attached by ClinVar (database versions not stated): gnomAD 0.00001; gnomAD exomes 0.00001; TOPMed 0.00001; ExAC 0.00002.
gnomAD v4.1: 23 of 1,611,576 alleles (0.0014%); highest among the groups gnomAD compares: South Asian, 0.013%; no homozygotes.

Submissions (2):

Ambry Genetics
Classification: Uncertain significance for Inborn genetic diseases. Last evaluated: 2025-07-16. Review status: criteria provided, single submitter. Criteria: Ambry Variant Classification Scheme 2023. Collection method: clinical testing. Allele origin: germline.

Labcorp Genetics (formerly Invitae), Labcorp
Classification: Uncertain significance. Last evaluated: 2022-05-08. Review status: criteria provided, single submitter. Criteria: Invitae Variant Classification Sherloc (09022015). Collection method: clinical testing. Allele origin: germline.
Comment: This sequence change replaces glutamine, which is neutral and polar, with arginine, which is basic and polar, at codon 29 of the TUBGCP4 protein (p.Gln29Arg). This variant is present in population databases (rs753375716, gnomAD 0.01%). This variant has not been reported in the literature in individuals affected with TUBGCP4-related conditions. Algorithms developed to predict the effect of missense changes on protein structure and function (SIFT, PolyPhen-2, Align-GVGD) all suggest that this variant is likely to be tolerated. In summary, the available evidence is currently insufficient to determine the role of this variant in disease. Therefore, it has been classified as a Variant of Uncertain Significance.